The following is an entry in ClinVar:

NC_012920.1(MT-ATP6):m.8684C>T

Gene: MT-ATP6 (mitochondrially encoded ATP synthase 6; plus strand).
Variant type: single nucleotide variant.
Genome position: chrM-8684-C-T.
Identifiers: ClinVar variation 692951 (VCV000692951.2), dbSNP rs201336180, ClinGen allele CA337097986.

ClinVar aggregate classification (germline): Benign/Likely benign. Review status: criteria provided, multiple submitters, no conflicts (2 of 4 stars). 2 submissions from 2 submitters: Benign (1); Likely benign (1). Last evaluated 2025-02-16.

Conditions:
Leigh syndrome (NULS). Also called: Leigh's necrotizing encephalopathy; Leigh's disease; Leigh Syndrome (mtDNA deletion); Leigh Disease; Subacute necrotizing encephalopathy; Necrotizing encephalopathy infantile subacute of Leigh. Identifiers: Orphanet 506, MedGen C2931891, MONDO:0009723, OMIM 256000.

Submissions (2):

Laboratory of Genetics, Children's Clinical University Hospital Latvia
Classification: Likely benign. Last evaluated: 2025-02-16. Review status: criteria provided, single submitter. Criteria: ACMG Guidelines, 2015. Collection method: clinical testing. Allele origin: germline. Affected: yes.

Wong Mito Lab, Molecular and Human Genetics, Baylor College of Medicine
Classification: Benign for Leigh syndrome. Last evaluated: 2019-10-17. Review status: criteria provided, single submitter. Criteria: Modified ACMG Guidelines (Unpublished). Collection method: clinical testing. Allele origin: germline.
Comment: The NC_012920.1:m.8684C>T (YP_003024031.1:p.Thr53Ile) variant in MTATP6 gene is interpretated to be a Benign variant based on the modified ACMG guidelines (unpublished). This variant meets the following evidence codes: BA1